The following is an entry in ClinVar:

NM_007194.4(CHEK2):c.746del (p.Lys249fs)

Gene: CHEK2 (checkpoint kinase 2; minus strand). Cytogenetic location: 22q12.1.
Variant type: Deletion.
Coding change: c.746del on transcript NM_007194.4 (MANE Select); coding-DNA position 746, one base deleted (A; older notation c.746delA).
Protein change: p.Lys249fs; shifts the reading frame from lysine 249.
Molecular consequence: frameshift variant.
Genome position (GRCh38, 1-based): chr22:28,711,955, T deleted on the plus strand (A on the coding strand, the reverse complement: CHEK2 is on the minus strand); the first of 3 consecutive T bases (chr22:28,711,955-28,711,957); deleting any one gives the same sequence. VCF-style (leftmost placement, unchanged base first): chr22-28711954-CT-C. GRCh37 (hg19) VCF-style: chr22-29107942-CT-C.
Other names: c.873delA, p.Lys292Argfs (NM_001005735.3); c.81delA, p.Lys28Argfs (NM_001257387.3); c.543delA, p.Lys182Argfs (NM_001349956.3); c.744delA, p.Lys249Argfs (NM_145862.3); short protein forms K182fs, K249fs, K28fs, K292fs.
Identifiers: ClinVar variation 1759054 (VCV001759054.2), dbSNP rs2517961150, ClinGen allele CA2580099681.

ClinVar aggregate classification (germline): Pathogenic (1 of 4 stars; one submission).

Conditions:
Hereditary cancer-predisposing syndrome. Also called: Neoplastic Syndromes, Hereditary; Tumor predisposition; Hereditary Cancer Syndrome; Hereditary neoplastic syndrome. Identifiers: Orphanet 140162, MedGen C0027672, MeSH D009386, MONDO:0015356.

Submission:

Ambry Genetics
Classification: Pathogenic for Hereditary cancer-predisposing syndrome. Last evaluated: 2021-09-02. Review status: criteria provided, single submitter. Criteria: Ambry Variant Classification Scheme 2023. Collection method: clinical testing. Allele origin: germline.
Comment: The c.746delA pathogenic mutation, located in coding exon 5 of the CHEK2 gene, results from a deletion of one nucleotide at nucleotide position 746, causing a translational frameshift with a predicted alternate stop codon (p.K249Rfs*26). This variant is considered to be rare based on population cohorts in the Genome Aggregation Database (gnomAD). This alteration is expected to result in loss of function by premature protein truncation or nonsense-mediated mRNA decay. As such, this alteration is interpreted as a disease-causing mutation.